The following is an entry in ClinVar:

NM_000245.4(MET):c.2860T>A (p.Trp954Arg)

Gene: MET (MET proto-oncogene, receptor tyrosine kinase; plus strand). Cytogenetic location: 7q31.2.
Variant type: single nucleotide variant.
Coding change: c.2860T>A on transcript NM_000245.4 (MANE Select); coding-DNA position 2860, T replaced by A.
Protein change: p.Trp954Arg; replaces tryptophan 954 with arginine.
Molecular consequence: missense variant.
Genome position (GRCh38, 1-based): chr7:116,771,627, T>A. VCF-style: chr7-116771627-T-A. GRCh37 (hg19) VCF-style: chr7-116411681-T-A.
Other names: c.2914T>A, p.Trp972Arg (NM_001127500.3); c.1570T>A, p.Trp524Arg (NM_001324402.2); short protein forms W524R, W954R, W972R.
Identifiers: ClinVar variation 3232956 (VCV003232956.2), dbSNP rs2116993003, ClinGen allele CA368986712.

ClinVar aggregate classification (germline): Uncertain significance (1 of 4 stars; one submission).

Conditions:
Hereditary cancer-predisposing syndrome. Also called: Neoplastic Syndromes, Hereditary; Tumor predisposition; Hereditary Cancer Syndrome; Hereditary neoplastic syndrome. Identifiers: Orphanet 140162, MedGen C0027672, MeSH D009386, MONDO:0015356.

Submission:

Ambry Genetics
Classification: Uncertain significance for Hereditary cancer-predisposing syndrome. Last evaluated: 2026-08-24. Review status: criteria provided, single submitter. Criteria: Ambry Variant Classification Scheme 2023. Collection method: clinical testing. Allele origin: germline.
Comment: The p.W972R variant (also known as c.2914T>A), located in coding exon 12 of the MET gene, results from a T to A substitution at nucleotide position 2914. The tryptophan at codon 972 is replaced by arginine, an amino acid with dissimilar properties. This amino acid position is highly conserved in available vertebrate species. In addition, this alteration is predicted to be deleterious by in silico analysis. Based on the available evidence, the clinical significance of this variant remains unclear.